The following is an entry in ClinVar:

NM_015102.5(NPHP4):c.3348C>T (p.Ile1116=)

Gene: NPHP4 (nephrocystin 4; minus strand). Cytogenetic location: 1p36.31.
Variant type: single nucleotide variant.
Coding change: c.3348C>T on transcript NM_015102.5 (MANE Select); coding-DNA position 3348, C replaced by T.
Protein change: p.Ile1116=; no amino-acid change (isoleucine 1116 retained).
Molecular consequence: synonymous variant. On other transcripts: non-coding transcript variant (1).
Genome position (GRCh38, 1-based): chr1:5,867,864, G>A on the plus strand (C>T on the coding strand, the complement: NPHP4 is on the minus strand). VCF-style: chr1-5867864-G-A. GRCh37 (hg19) VCF-style: chr1-5927924-G-A.
Other names: c.1809C>T, p.Ile603= (NM_001291593.2); c.1812C>T, p.Ile604= (NM_001291594.2); c.3348C>T (NM_015102.4).
Identifiers: ClinVar variation 498960 (VCV000498960.16), dbSNP rs751938743, ClinGen allele CA553648.

ClinVar aggregate classification (germline): Conflicting classifications of pathogenicity. Review status: criteria provided, conflicting classifications (1 of 4 stars). 4 submissions from 4 submitters: Uncertain significance (1); Likely benign (2). 1 of the submissions does not count toward it. Last evaluated 2023-10-23.

Conditions:
NPHP4-related disorder. Also called: NPHP4-related condition; NPHP4-related disorders. Identifiers: MedGen CN239384.
Nephronophthisis. Also called: Juvenile Nephronophthisis. Identifiers: Orphanet 655, MedGen C0687120, MONDO:0019005, HP:0000090.

Allele frequency attached by ClinVar (database versions not stated): TOPMed below 0.00001; ExAC 0.00001; gnomAD exomes 0.00002.
gnomAD v4.1: 18 of 1,613,934 alleles (0.0011%); highest among the groups gnomAD compares: South Asian, 0.0033%; no homozygotes.

Submissions (4):

Blueprint Genetics
Classification: Likely benign. Last evaluated: 2023-10-23. Review status: criteria provided, single submitter. Criteria: ACMG Guidelines, 2015. Collection method: clinical testing. Allele origin: germline.

Labcorp Genetics (formerly Invitae), Labcorp
Classification: Likely benign for Nephronophthisis. Last evaluated: 2020-10-14. Review status: criteria provided, single submitter. Criteria: Invitae Variant Classification Sherloc (09022015). Collection method: clinical testing. Allele origin: germline.

Eurofins Ntd Llc (ga)
Classification: Uncertain significance. Last evaluated: 2016-12-05. Review status: criteria provided, single submitter. Criteria: EGL Classification Definitions 2015. Collection method: clinical testing. Allele origin: germline. Observed: 1 variant allele, 1 heterozygote.

PreventionGenetics, part of Exact Sciences
Classification: Likely benign for NPHP4-related condition. Last evaluated: 2022-05-10. Review status: no assertion criteria provided. Collection method: clinical testing. Allele origin: germline. Not counted in ClinVar's aggregate classification.
Comment: This variant is classified as likely benign based on ACMG/AMP sequence variant interpretation guidelines (Richards et al. 2015 PMID: 25741868, with internal and published modifications).